The following is an entry in ClinVar:

NM_004700.4(KCNQ4):c.648C>T (p.Arg216=)

Gene: KCNQ4 (potassium voltage-gated channel subfamily Q member 4; plus strand). Cytogenetic location: 1p34.2.
Variant type: single nucleotide variant.
Coding change: c.648C>T on transcript NM_004700.4 (MANE Select); coding-DNA position 648, C replaced by T.
Protein change: p.Arg216=; no amino-acid change (arginine 216 retained).
Molecular consequence: synonymous variant.
Genome position (GRCh38, 1-based): chr1:40,818,620, C>T. VCF-style: chr1-40818620-C-T. GRCh37 (hg19) VCF-style: chr1-41284292-C-T.
Other names: c.648C>T, p.Arg216= (NM_172163.3).
Identifiers: ClinVar variation 21425 (VCV000021425.14), dbSNP rs80358269, ClinGen allele CA342053.

ClinVar aggregate classification (germline): Conflicting classifications of pathogenicity. Review status: criteria provided, conflicting classifications (1 of 4 stars). 5 submissions from 5 submitters: Uncertain significance (1); Benign (2); Likely benign (1). 1 of the submissions does not count toward it. Last evaluated 2025-01-06.

Conditions:
KCNQ4-related disorder. Also called: KCNQ4-related condition.
Autosomal dominant nonsyndromic hearing loss 2A. Also called: DFNA2 Nonsyndromic Hearing Loss; Deafness, autosomal dominant 2A; Autosomal dominant nonsyndromic deafness 2A. Identifiers: Orphanet 90635, MedGen C2677637, MONDO:0010817, OMIM 600101.

Allele frequency attached by ClinVar (database versions not stated): gnomAD exomes 0.00003 and 0.00017; gnomAD 0.00005; TOPMed 0.00008; 1000 Genomes Project 30x 0.00016; 1000 Genomes Project 0.00020; ExAC 0.00020.
gnomAD v4.1: 45 of 1,606,864 alleles (0.0028%); highest among the groups gnomAD compares: East Asian, 0.091%; no homozygotes.

Submissions (5):

Labcorp Genetics (formerly Invitae), Labcorp
Classification: Benign. Last evaluated: 2025-01-06. Review status: criteria provided, single submitter. Criteria: Invitae Variant Classification Sherloc (09022015). Collection method: clinical testing. Allele origin: germline.

PreventionGenetics, part of Exact Sciences
Classification: Likely benign for KCNQ4-related condition. Last evaluated: 2024-11-14. Review status: criteria provided, single submitter. Criteria: ACMG Guidelines, 2015. Collection method: clinical testing. Allele origin: germline.
Comment: This variant is classified as likely benign based on ACMG/AMP sequence variant interpretation guidelines (Richards et al. 2015 PMID: 25741868, with internal and published modifications).

GeneDx
Classification: Uncertain significance. Last evaluated: 2022-07-19. Review status: criteria provided, single submitter. Criteria: GeneDx Variant Classification Process June 2021. Collection method: clinical testing. Allele origin: germline. Affected: yes.
Comment: Observed in a patient with hearing loss in published literature (Su et al., 2007); In silico analysis suggests this variant may impact gene splicing. In the absence of RNA/functional studies, the actual effect of this sequence change is unknown.; This variant is associated with the following publications: (PMID: 17033161, 30245029, 20301388, 31434872, 24616153)

Mendelics
Classification: Benign for Autosomal dominant nonsyndromic hearing loss 2A. Last evaluated: 2019-05-28. Review status: criteria provided, single submitter. Criteria: Mendelics Assertion Criteria 2017. Collection method: clinical testing. Allele origin: unknown.

GeneReviews
No classification provided. Condition: Autosomal dominant nonsyndromic hearing loss 2A. Review status: no classification provided. Collection method: literature only. Allele origin: germline. Not counted in ClinVar's aggregate classification.

Literature cited by the submitters: NCBI Bookshelf NBK1209 (cited by GeneReviews); PubMed 20301388 (cited by GeneReviews).